The following is an entry in ClinVar:

NM_001089.3(ABCA3):c.1755C>G (p.Pro585=)

Gene: ABCA3 (ATP binding cassette subfamily A member 3; minus strand). Cytogenetic location: 16p13.3.
Variant type: single nucleotide variant.
Coding change: c.1755C>G on transcript NM_001089.3 (MANE Select); coding-DNA position 1755, C replaced by G.
Protein change: p.Pro585=; no amino-acid change (proline 585 retained).
Molecular consequence: synonymous variant.
Genome position (GRCh38, 1-based): chr16:2,298,527, G>C on the plus strand (C>G on the coding strand, the complement: ABCA3 is on the minus strand). VCF-style: chr16-2298527-G-C. GRCh37 (hg19) VCF-style: chr16-2348528-G-C.
Other names: p.Pro585=.
Identifiers: ClinVar variation 178697 (VCV000178697.21), dbSNP rs323043, ClinGen allele CA182804.

ClinVar aggregate classification (germline): Benign. Review status: criteria provided, multiple submitters, no conflicts (2 of 4 stars). 8 submissions from 8 submitters: Benign (8). Last evaluated 2026-02-04.

Conditions:
Hereditary pulmonary alveolar proteinosis. Also called: Pulmonary surfactant metabolism dysfunction. Identifiers: Orphanet 264675, MedGen C3711368, MONDO:0012580.
Interstitial lung disease due to ABCA3 deficiency. Also called: PULMONARY ALVEOLAR PROTEINOSIS, CONGENITAL, 3. Identifiers: Orphanet 440402, MedGen C1970456, MONDO:0012582, OMIM 610921.

Allele frequency attached by ClinVar (database versions not stated): 1000 Genomes Project 0.08167; 1000 Genomes Project 30x 0.08323; TOPMed 0.13509; gnomAD 0.14339; ESP Exome Variant Server 0.15628.
gnomAD v4.1: 279,498 of 1,613,380 alleles (17%); highest among the groups gnomAD compares: Non-Finnish European, 20%; 26,701 homozygotes.

Submissions (8):

Labcorp Genetics (formerly Invitae), Labcorp
Classification: Benign. Last evaluated: 2026-02-04. Review status: criteria provided, single submitter. Criteria: Invitae Variant Classification Sherloc (09022015). Collection method: clinical testing. Allele origin: germline.

Blueprint Genetics
Classification: Benign. Last evaluated: 2024-11-27. Review status: criteria provided, single submitter. Criteria: ACMG Guidelines, 2015. Collection method: clinical testing. Allele origin: germline.

Mayo Clinic Laboratories, Mayo Clinic
Classification: Benign. Last evaluated: 2022-09-06. Review status: criteria provided, single submitter. Criteria: ACMG Guidelines, 2015. Collection method: clinical testing. Allele origin: germline. Observed: 6 variant alleles.

GeneDx
Classification: Benign. Last evaluated: 2018-03-24. Review status: criteria provided, single submitter. Criteria: GeneDx Variant Classification (06012015). Collection method: clinical testing. Allele origin: germline. Affected: yes.
Comment: This variant is considered likely benign or benign based on one or more of the following criteria: it is a conservative change, it occurs at a poorly conserved position in the protein, it is predicted to be benign by multiple in silico algorithms, and/or has population frequency not consistent with disease.

Illumina Laboratory Services, Illumina
Classification: Benign for Interstitial lung disease due to ABCA3 deficiency. Last evaluated: 2018-01-12. Review status: criteria provided, single submitter. Criteria: ICSL Variant Classification Criteria 13 December 2019. Collection method: clinical testing. Allele origin: germline.
Comment: This variant was observed in the ICSL laboratory as part of a predisposition screen in an ostensibly healthy population. It had not been previously curated by ICSL or reported in the Human Gene Mutation Database (HGMD: prior to June 1st, 2018), and was therefore a candidate for classification through an automated scoring system. Utilizing variant allele frequency, disease prevalence and penetrance estimates, and inheritance mode, an automated score was calculated to assess if this variant is too frequent to cause the disease. Based on the score and internal cut-off values, a variant classified as benign is not then subjected to further curation. The score for this variant resulted in a classification of benign for this disease.

Ambry Genetics
Classification: Benign for Hereditary pulmonary alveolar proteinosis. Last evaluated: 2015-10-14. Review status: criteria provided, single submitter. Criteria: Ambry Variant Classification Scheme 2023. Collection method: clinical testing. Allele origin: germline.

Laboratory for Molecular Medicine, Mass General Brigham Personalized Medicine
Classification: Benign. Last evaluated: 2013-02-21. Review status: criteria provided, single submitter. Criteria: LMM Criteria. Collection method: clinical testing. Allele origin: germline. Observed: 41 variant alleles.
Comment: Pro585Pro in exon 15 of ABCA3: This variant is not expected to have clinical sig nificance because it does not alter an amino acid residue and is not located wit hin the splice consensus sequence. It has been identified in 19.8% (1702/8600) o f European American chromosomes from a broad population by the NHLBI Exome Seque ncing Project (dbSNP rs323043).

Breakthrough Genomics
Classification: Benign. Review status: criteria provided, single submitter. Criteria: ACMG Guidelines, 2015. Collection method: not provided. Allele origin: germline. Inheritance: Autosomal recessive inheritance. Affected: yes.